The following is an entry in ClinVar:

NM_014585.6(SLC40A1):c.1570G>A (p.Val524Ile)

Gene: SLC40A1 (solute carrier family 40 member 1; minus strand). Cytogenetic location: 2q32.2.
Variant type: single nucleotide variant.
Coding change: c.1570G>A on transcript NM_014585.6 (MANE Select); coding-DNA position 1570, G replaced by A.
Protein change: p.Val524Ile; replaces valine 524 with isoleucine.
Molecular consequence: missense variant.
Genome position (GRCh38, 1-based): chr2:189,562,024, C>T on the plus strand (G>A on the coding strand, the complement: SLC40A1 is on the minus strand). VCF-style: chr2-189562024-C-T. GRCh37 (hg19) VCF-style: chr2-190426750-C-T.
Other names: short protein forms V524I.
Identifiers: ClinVar variation 333162 (VCV000333162.11), dbSNP rs142456282, ClinGen allele CA2024047.

ClinVar aggregate classification (germline): Conflicting classifications of pathogenicity. Review status: criteria provided, conflicting classifications (1 of 4 stars). 4 submissions from 4 submitters: Uncertain significance (3); Benign (1). Last evaluated 2026-01-26.

Conditions:
SLC40A1-related disorder. Also called: SLC40A1-related condition.
Inborn genetic diseases. Identifiers: MedGen C0950123, MeSH D030342.
Hemochromatosis type 4 (HFE4). Also called: HEMOCHROMATOSIS DUE TO DEFECT IN FERROPORTIN; HEMOCHROMATOSIS, AUTOSOMAL DOMINANT; Ferroportin disease. Identifiers: Orphanet 139491, Orphanet 647834, Orphanet 648562, MedGen C1853733, MONDO:0011631, OMIM 606069.

Allele frequency attached by ClinVar (database versions not stated): ESP Exome Variant Server 0.00015; gnomAD 0.00015 and 0.00014; TOPMed 0.00015; ExAC 0.00012.
gnomAD v4.1: 327 of 1,613,902 alleles (0.02%); highest among the groups gnomAD compares: Non-Finnish European, 0.025%; no homozygotes.

Submissions (4):

Labcorp Genetics (formerly Invitae), Labcorp
Classification: Uncertain significance for Hemochromatosis type 4. Last evaluated: 2026-01-26. Review status: criteria provided, single submitter. Criteria: Invitae Variant Classification Sherloc (09022015). Collection method: clinical testing. Allele origin: germline.
Comment: This sequence change replaces valine, which is neutral and non-polar, with isoleucine, which is neutral and non-polar, at codon 524 of the SLC40A1 protein (p.Val524Ile). This variant is present in population databases (rs142456282, gnomAD 0.03%), and has an allele count higher than expected for a pathogenic variant. This variant has not been reported in the literature in individuals affected with SLC40A1-related conditions. ClinVar contains an entry for this variant (Variation ID: 333162). Invitae Evidence Modeling of protein sequence and biophysical properties (such as structural, functional, and spatial information, amino acid conservation, physicochemical variation, residue mobility, and thermodynamic stability) has been performed for this missense variant. However, the output from this modeling did not meet the statistical confidence thresholds required to predict the impact of this variant on SLC40A1 protein function. In summary, the available evidence is currently insufficient to determine the role of this variant in disease. Therefore, it has been classified as a Variant of Uncertain Significance.

PreventionGenetics, part of Exact Sciences
Classification: Uncertain significance for SLC40A1-related condition. Last evaluated: 2023-02-14. Review status: criteria provided, single submitter. Criteria: ACMG Guidelines, 2015. Collection method: clinical testing. Allele origin: germline.
Comment: The SLC40A1 c.1570G>A variant is predicted to result in the amino acid substitution p.Val524Ile. To our knowledge, this variant has not been reported in the literature. This variant is reported in 0.026% of alleles in individuals of European (Non-Finnish) descent in gnomAD. Although we suspect that this variant may be benign, at this time, the clinical significance of this variant is uncertain due to the absence of conclusive functional and genetic evidence.

Ambry Genetics
Classification: Uncertain significance for Inborn genetic diseases. Last evaluated: 2022-05-27. Review status: criteria provided, single submitter. Criteria: Ambry Variant Classification Scheme 2023. Collection method: clinical testing. Allele origin: germline.

Illumina Laboratory Services, Illumina
Classification: Benign for Hemochromatosis type 4. Last evaluated: 2018-01-13. Review status: criteria provided, single submitter. Criteria: ICSL Variant Classification Criteria 13 December 2019. Collection method: clinical testing. Allele origin: germline.
Comment: This variant was observed in the ICSL laboratory as part of a predisposition screen in an ostensibly healthy population. It had not been previously curated by ICSL or reported in the Human Gene Mutation Database (HGMD: prior to June 1st, 2018), and was therefore a candidate for classification through an automated scoring system. Utilizing variant allele frequency, disease prevalence and penetrance estimates, and inheritance mode, an automated score was calculated to assess if this variant is too frequent to cause the disease. Based on the score and internal cut-off values, a variant classified as benign is not then subjected to further curation. The score for this variant resulted in a classification of benign for this disease.